The following is an entry in ClinVar:

ClinVar aggregate classification (germline): Uncertain significance (1 of 4 stars; one submission).

Allele frequency attached by ClinVar (database versions not stated): ExAC 0.00001; gnomAD exomes 0.00001; gnomAD 0.00003; TOPMed 0.00004.
gnomAD v4.1: 13 of 1,614,128 alleles (0.00081%); highest among the groups gnomAD compares: African/African-American, 0.017%; no homozygotes.

Submission:

Labcorp Genetics (formerly Invitae), Labcorp
Classification: Uncertain significance. Last evaluated: 2024-01-22. Review status: criteria provided, single submitter. Criteria: Invitae Variant Classification Sherloc (09022015). Collection method: clinical testing. Allele origin: germline.
Comment: This sequence change replaces alanine, which is neutral and non-polar, with valine, which is neutral and non-polar, at codon 333 of the SON protein (p.Ala333Val). This variant is present in population databases (rs756795301, gnomAD 0.01%). This variant has not been reported in the literature in individuals affected with SON-related conditions. ClinVar contains an entry for this variant (Variation ID: 1914344). Algorithms developed to predict the effect of missense changes on protein structure and function output the following: SIFT: "Not Available"; PolyPhen-2: "Possibly Damaging"; Align-GVGD: "Not Available". The valine amino acid residue is found in multiple mammalian species, which suggests that this missense change does not adversely affect protein function. In summary, the available evidence is currently insufficient to determine the role of this variant in disease. Therefore, it has been classified as a Variant of Uncertain Significance.

NM_138927.4(SON):c.998C>T (p.Ala333Val)

Gene: SON (SON DNA and RNA binding protein; plus strand). Cytogenetic location: 21q22.11.
Variant type: single nucleotide variant.
Coding change: c.998C>T on transcript NM_138927.4 (MANE Select); coding-DNA position 998, C replaced by T.
Protein change: p.Ala333Val; replaces alanine 333 with valine.
Molecular consequence: missense variant. On other transcripts: non-coding transcript variant (1), intron variant (1).
Genome position (GRCh38, 1-based): chr21:33,550,229, C>T. VCF-style: chr21-33550229-C-T. GRCh37 (hg19) VCF-style: chr21-34922535-C-T.
Other names: c.998C>T, p.Ala333Val (NM_001291411.2, NM_001412133.1, NM_032195.3 and 2 more transcripts); c.244+3850C>T (NM_001291412.3); short protein forms A333V.
Identifiers: ClinVar variation 1914344 (VCV001914344.5), dbSNP rs756795301, ClinGen allele CA10008786.